The following is an entry in ClinVar:

NM_006343.3(MERTK):c.92C>T (p.Pro31Leu)

Gene: MERTK (MER proto-oncogene, tyrosine kinase; plus strand). Cytogenetic location: 2q13.
Variant type: single nucleotide variant.
Coding change: c.92C>T on transcript NM_006343.3 (MANE Select); coding-DNA position 92, C replaced by T.
Protein change: p.Pro31Leu; replaces proline 31 with leucine.
Molecular consequence: missense variant.
Genome position (GRCh38, 1-based): chr2:111,929,150, C>T. VCF-style: chr2-111929150-C-T. GRCh37 (hg19) VCF-style: chr2-112686727-C-T.
Other names: short protein forms P31L.
Identifiers: ClinVar variation 1345259 (VCV001345259.8), dbSNP rs1167524389, ClinGen allele CA348225909.

ClinVar aggregate classification (germline): Uncertain significance (1 of 4 stars; one submission).

Allele frequency attached by ClinVar (database versions not stated): gnomAD exomes below 0.00001; TOPMed below 0.00001.
gnomAD v4.1: 2 of 1,614,148 alleles (0.00012%); highest among the groups gnomAD compares: Non-Finnish European, 0.00017%; no homozygotes.

Submission:

Labcorp Genetics (formerly Invitae), Labcorp
Classification: Uncertain significance. Last evaluated: 2021-12-20. Review status: criteria provided, single submitter. Criteria: Invitae Variant Classification Sherloc (09022015). Collection method: clinical testing. Allele origin: germline.
Comment: In summary, the available evidence is currently insufficient to determine the role of this variant in disease. Therefore, it has been classified as a Variant of Uncertain Significance. Algorithms developed to predict the effect of missense changes on protein structure and function (SIFT, PolyPhen-2, Align-GVGD) all suggest that this variant is likely to be tolerated. This variant has not been reported in the literature in individuals affected with MERTK-related conditions. This variant is present in population databases (no rsID available, gnomAD 0.0009%). This sequence change replaces proline, which is neutral and non-polar, with leucine, which is neutral and non-polar, at codon 31 of the MERTK protein (p.Pro31Leu).